The following is an entry in ClinVar:

NM_000245.4(MET):c.3151G>A (p.Val1051Ile)

Gene: MET (MET proto-oncogene, receptor tyrosine kinase; plus strand). Cytogenetic location: 7q31.2.
Variant type: single nucleotide variant.
Coding change: c.3151G>A on transcript NM_000245.4 (MANE Select); coding-DNA position 3151, G replaced by A.
Protein change: p.Val1051Ile; replaces valine 1051 with isoleucine.
Molecular consequence: missense variant.
Genome position (GRCh38, 1-based): chr7:116,775,003, G>A. VCF-style: chr7-116775003-G-A. GRCh37 (hg19) VCF-style: chr7-116415057-G-A.
Other names: c.3205G>A, p.Val1069Ile (NM_001127500.3); c.1861G>A, p.Val621Ile (NM_001324402.2); short protein forms V621I, V1051I, V1069I.
Identifiers: ClinVar variation 848319 (VCV000848319.11), dbSNP rs775997318, ClinGen allele CA368988362.

ClinVar aggregate classification (germline): Uncertain significance. Review status: criteria provided, multiple submitters, no conflicts (2 of 4 stars). 3 submissions from 3 submitters: Uncertain significance (3). Last evaluated 2025-06-02.

Conditions:
Renal cell carcinoma. Identifiers: Orphanet 217071, MedGen C0007134, MeSH D002292, MONDO:0005086, HP:0005584.
Hereditary cancer-predisposing syndrome. Also called: Tumor predisposition; Neoplastic Syndromes, Hereditary; Hereditary neoplastic syndrome; Hereditary Cancer Syndrome. Identifiers: Orphanet 140162, MedGen C0027672, MeSH D009386, MONDO:0015356.

Submissions (3):

Ambry Genetics
Classification: Uncertain significance for Hereditary cancer-predisposing syndrome. Last evaluated: 2025-06-02. Review status: criteria provided, single submitter. Criteria: Ambry Variant Classification Scheme 2023. Collection method: clinical testing. Allele origin: germline.
Comment: The p.V1069I variant (also known as c.3205G>A), located in coding exon 14 of the MET gene, results from a G to A substitution at nucleotide position 3205. The valine at codon 1069 is replaced by isoleucine, an amino acid with highly similar properties. This amino acid position is conserved. In addition, the in silico prediction for this alteration is inconclusive. Since supporting evidence is limited at this time, the clinical significance of this alteration remains unclear.

Labcorp Genetics (formerly Invitae), Labcorp
Classification: Uncertain significance for Renal cell carcinoma. Last evaluated: 2024-09-17. Review status: criteria provided, single submitter. Criteria: Invitae Variant Classification Sherloc (09022015). Collection method: clinical testing. Allele origin: germline.
Comment: This sequence change replaces valine, which is neutral and non-polar, with isoleucine, which is neutral and non-polar, at codon 1069 of the MET protein (p.Val1069Ile). This variant is not present in population databases (gnomAD no frequency). This variant has not been reported in the literature in individuals affected with MET-related conditions. ClinVar contains an entry for this variant (Variation ID: 848319). An algorithm developed to predict the effect of missense changes on protein structure and function (PolyPhen-2) suggests that this variant is likely to be tolerated. In summary, the available evidence is currently insufficient to determine the role of this variant in disease. Therefore, it has been classified as a Variant of Uncertain Significance.

Mendelics
Classification: Uncertain significance. Last evaluated: 2022-05-04. Review status: criteria provided, single submitter. Criteria: Mendelics Assertion Criteria 2019. Collection method: clinical testing. Allele origin: germline.